The following is an entry in ClinVar:

ClinVar aggregate classification (germline): Uncertain significance (1 of 4 stars; one submission).

Conditions:
SETBP1-related disorder. Also called: SETBP1-related condition; SETBP1-related disorders.

Submission:

PreventionGenetics, part of Exact Sciences
Classification: Uncertain significance for SETBP1-related condition. Last evaluated: 2024-11-21. Review status: criteria provided, single submitter. Criteria: ACMG Guidelines, 2015. Collection method: clinical testing. Allele origin: germline.
Comment: The SETBP1 c.808G>T variant is predicted to result in the amino acid substitution p.Ala270Ser. To our knowledge, this variant has not been reported in the literature or in a large population database, indicating this variant is rare. At this time, the clinical significance of this variant is uncertain due to the absence of conclusive functional and genetic evidence.

NM_015559.3(SETBP1):c.808G>T (p.Ala270Ser)

Gene: SETBP1 (SET binding protein 1; plus strand). Cytogenetic location: 18q12.3.
Variant type: single nucleotide variant.
Coding change: c.808G>T on transcript NM_015559.3 (MANE Select); coding-DNA position 808, G replaced by T.
Protein change: p.Ala270Ser; replaces alanine 270 with serine.
Molecular consequence: missense variant.
Genome position (GRCh38, 1-based): chr18:44,950,148, G>T. VCF-style: chr18-44950148-G-T. GRCh37 (hg19) VCF-style: chr18-42530113-G-T.
Other names: c.808G>T, p.Ala270Ser (NM_001379141.1, NM_001379142.1, NM_001410862.1); short protein forms A270S.
Identifiers: ClinVar variation 4985474 (VCV004985474.1).